The following is an entry in ClinVar:

ClinVar aggregate classification (germline): Uncertain significance (1 of 4 stars; one submission).

Conditions:
Inborn genetic diseases. Identifiers: MedGen C0950123, MeSH D030342.

Allele frequency attached by ClinVar (database versions not stated): gnomAD exomes below 0.00001; gnomAD 0.00001.
gnomAD v4.1: 2 of 1,613,094 alleles (0.00012%); highest among the groups gnomAD compares: African/African-American, 0.0027%; no homozygotes.

Submission:

Ambry Genetics
Classification: Uncertain significance for Inborn genetic diseases. Last evaluated: 2021-11-06. Review status: criteria provided, single submitter. Criteria: Ambry Variant Classification Scheme 2023. Collection method: clinical testing. Allele origin: germline.
Comment: The p.I1505V variant (also known as c.4513A>G), located in coding exon 31 of the LRRK2 gene, results from an A to G substitution at nucleotide position 4513. The isoleucine at codon 1505 is replaced by valine, an amino acid with highly similar properties. This amino acid position is conserved. In addition, this alteration is predicted to be tolerated by in silico analysis. Since supporting evidence is limited at this time, the clinical significance of this alteration remains unclear.

NM_198578.4(LRRK2):c.4513A>G (p.Ile1505Val)

Gene: LRRK2 (leucine rich repeat kinase 2; plus strand). Cytogenetic location: 12q12.
Variant type: single nucleotide variant.
Coding change: c.4513A>G on transcript NM_198578.4 (MANE Select); coding-DNA position 4513, A replaced by G.
Protein change: p.Ile1505Val; replaces isoleucine 1505 with valine.
Molecular consequence: missense variant.
Genome position (GRCh38, 1-based): chr12:40,310,626, A>G. VCF-style: chr12-40310626-A-G. GRCh37 (hg19) VCF-style: chr12-40704428-A-G.
Other names: short protein forms I1505V.
Identifiers: ClinVar variation 1741146 (VCV001741146.2), dbSNP rs1323750075, ClinGen allele CA384418664.